The following is an entry in ClinVar:

ClinVar aggregate classification (germline): Likely benign. Review status: criteria provided, multiple submitters, no conflicts (2 of 4 stars). 2 submissions from 2 submitters: Likely benign (2). Last evaluated 2025-11-26.

gnomAD v4.1: 3 of 1,612,040 alleles (0.00019%); highest among the groups gnomAD compares: Non-Finnish European, 0.000085%; no homozygotes.

Submissions (2):

Mayo Clinic Laboratories, Mayo Clinic
Classification: Likely benign. Last evaluated: 2025-11-26. Review status: criteria provided, single submitter. Criteria: ACMG Guidelines, 2015. Collection method: clinical testing. Allele origin: germline. Observed: 1 variant allele.
Comment: BP4, BP7, PM2_supporting

Labcorp Genetics (formerly Invitae), Labcorp
Classification: Likely benign. Last evaluated: 2024-12-02. Review status: criteria provided, single submitter. Criteria: Invitae Variant Classification Sherloc (09022015). Collection method: clinical testing. Allele origin: germline.

NM_020638.3(FGF23):c.615C>T (p.Ser205=)

Gene: FGF23 (fibroblast growth factor 23; minus strand). Cytogenetic location: 12p13.32.
Variant type: single nucleotide variant.
Coding change: c.615C>T on transcript NM_020638.3 (MANE Select); coding-DNA position 615, C replaced by T.
Protein change: p.Ser205=; no amino-acid change (serine 205 retained).
Molecular consequence: synonymous variant.
Genome position (GRCh38, 1-based): chr12:4,370,484, G>A on the plus strand (C>T on the coding strand, the complement: FGF23 is on the minus strand). VCF-style: chr12-4370484-G-A. GRCh37 (hg19) VCF-style: chr12-4479650-G-A.
Other names: p.Ser205=.
Identifiers: ClinVar variation 2972077 (VCV002972077.4), dbSNP rs2497235835, ClinGen allele CA478091500.